The following is an entry in ClinVar:

ClinVar aggregate classification (germline): Conflicting classifications of pathogenicity. Review status: criteria provided, conflicting classifications (1 of 4 stars). 2 submissions from 2 submitters: Uncertain significance (1); Likely benign (1). Last evaluated 2023-12-04.

Allele frequency attached by ClinVar (database versions not stated): gnomAD 0.00001; ExAC 0.00009; 1000 Genomes Project 30x 0.00016; 1000 Genomes Project 0.00020.
gnomAD v4.1: 35 of 1,613,154 alleles (0.0022%); highest among the groups gnomAD compares: South Asian, 0.036%; 1 homozygote.

Submissions (2):

Blueprint Genetics
Classification: Likely benign. Last evaluated: 2023-12-04. Review status: criteria provided, single submitter. Criteria: ACMG Guidelines, 2015. Collection method: clinical testing. Allele origin: germline.

Labcorp Genetics (formerly Invitae), Labcorp
Classification: Uncertain significance. Last evaluated: 2022-07-12. Review status: criteria provided, single submitter. Criteria: Invitae Variant Classification Sherloc (09022015). Collection method: clinical testing. Allele origin: germline.
Comment: This sequence change falls in intron 1 of the CDH3 gene. It does not directly change the encoded amino acid sequence of the CDH3 protein. It affects a nucleotide within the consensus splice site. This variant is present in population databases (rs562645181, gnomAD 0.05%), including at least one homozygous and/or hemizygous individual. This variant has not been reported in the literature in individuals affected with CDH3-related conditions. Variants that disrupt the consensus splice site are a relatively common cause of aberrant splicing (PMID: 17576681, 9536098). Algorithms developed to predict the effect of sequence changes on RNA splicing suggest that this variant is not likely to affect RNA splicing. In summary, the available evidence is currently insufficient to determine the role of this variant in disease. Therefore, it has been classified as a Variant of Uncertain Significance.

Literature cited by the submitters: PubMed 17576681 (cited by Labcorp Genetics (formerly Invitae), Labcorp); PubMed 9536098 (cited by Labcorp Genetics (formerly Invitae), Labcorp).

NM_001793.6(CDH3):c.45+6C>A

Genes: CDH3 (cadherin 3; plus strand), CDH3-AS1 (CDH3 antisense RNA 1; minus strand). Cytogenetic location: 16q22.1.
Variant type: single nucleotide variant.
Coding change: c.45+6C>A on transcript NM_001793.6 (MANE Select); 6 bases into the intron after coding-DNA position 45, C replaced by A.
Molecular consequence: intron variant.
Genome position (GRCh38, 1-based): chr16:68,645,430, C>A. VCF-style: chr16-68645430-C-A. GRCh37 (hg19) VCF-style: chr16-68679333-C-A.
Other names: c.-6+6C>A (NM_001317196.2); c.45+6C>A (NM_001317195.3).
Identifiers: ClinVar variation 1904931 (VCV001904931.6), dbSNP rs562645181, ClinGen allele CA8128903.
Genomic context (GRCh38, chr16:68,645,430, plus strand): 5'-CTCTGCAGCCATGGGGCTCCCTCGTGGACCTCTCGCGTCTCTCCTCCTTCTCCAGGTACT[C>A]CACAGCCTCGCCGTGGCCCCGACCGGGACCGCTCCCTGGGGGGCGGGCGGGGTCCGCATG-3'